The following is an entry in ClinVar:

ClinVar aggregate classification (germline): Uncertain significance (1 of 4 stars; one submission).

Submission:

Mayo Clinic Laboratories, Mayo Clinic
Classification: Uncertain significance. Last evaluated: 2025-06-11. Review status: criteria provided, single submitter. Criteria: ACMG Guidelines, 2015. Collection method: clinical testing. Allele origin: germline. Observed: 1 variant allele.
Comment: PM2_supporting

NM_003477.3(PDHX):c.1108G>A (p.Asp370Asn)

Gene: PDHX (pyruvate dehydrogenase complex component X; plus strand). Cytogenetic location: 11p13.
Variant type: single nucleotide variant.
Coding change: c.1108G>A on transcript NM_003477.3 (MANE Select); coding-DNA position 1108, G replaced by A.
Protein change: p.Asp370Asn; replaces aspartic acid 370 with asparagine.
Molecular consequence: missense variant.
Genome position (GRCh38, 1-based): chr11:34,984,654, G>A. VCF-style: chr11-34984654-G-A. GRCh37 (hg19) VCF-style: chr11-35006201-G-A.
Other names: p.Asp370Asn; c.928G>A, p.Asp310Asn (NM_001135024.2); c.427G>A, p.Asp143Asn (NM_001166158.2); short protein forms D143N, D310N, D370N.
Identifiers: ClinVar variation 4541612 (VCV004541612.1).